The following is an entry in ClinVar:

ClinVar aggregate classification (germline): Conflicting classifications of pathogenicity. Review status: criteria provided, conflicting classifications (1 of 4 stars). 3 submissions from 3 submitters: Uncertain significance (1); Likely benign (1). 1 of the submissions does not count toward it. Last evaluated 2024-10-15.

Conditions:
Holoprosencephaly 5 (HPE5). Identifiers: Orphanet 2162, MedGen C1864827, MONDO:0012322, OMIM 609637.
ZIC2-related disorder. Also called: ZIC2-related condition.

Submissions (3):

Blueprint Genetics
Classification: Likely benign. Last evaluated: 2024-10-15. Review status: criteria provided, single submitter. Criteria: ACMG Guidelines, 2015. Collection method: clinical testing. Allele origin: germline.

Labcorp Genetics (formerly Invitae), Labcorp
Classification: Uncertain significance for Holoprosencephaly 5. Last evaluated: 2023-12-20. Review status: criteria provided, single submitter. Criteria: Invitae Variant Classification Sherloc (09022015). Collection method: clinical testing. Allele origin: germline.
Comment: This variant, c.1389_1391del, results in the deletion of 1 amino acid(s) of the ZIC2 protein (p.Ala470del), but otherwise preserves the integrity of the reading frame. The frequency data for this variant in the population databases is considered unreliable, as metrics indicate poor data quality at this position in the gnomAD database. This variant has not been reported in the literature in individuals affected with ZIC2-related conditions. Experimental studies and prediction algorithms are not available or were not evaluated, and the functional significance of this variant is currently unknown. In summary, the available evidence is currently insufficient to determine the role of this variant in disease. Therefore, it has been classified as a Variant of Uncertain Significance.

PreventionGenetics, part of Exact Sciences
Classification: Likely benign for ZIC2-related condition. Last evaluated: 2021-02-04. Review status: no assertion criteria provided. Collection method: clinical testing. Allele origin: germline. Not counted in ClinVar's aggregate classification.
Comment: This variant is classified as likely benign based on ACMG/AMP sequence variant interpretation guidelines (Richards et al. 2015 PMID: 25741868, with internal and published modifications).

NM_007129.5(ZIC2):c.1380GGC[3] (p.Ala470del)

Genes: ZIC2 (Zic family zinc finger 2; plus strand), LOC110008580 (Zic family member 2 polyalanine repeat instability region; plus strand). Cytogenetic location: 13q32.3.
Variant type: Microsatellite.
Coding change: c.1380GGC[3] on transcript NM_007129.5 (MANE Select); three copies in a row of the 3-base unit GGC starting at c.1380; the reference has four copies in a row; one copy, 3 bases deleted.
Protein change: p.Ala470del; deletes alanine 470.
Molecular consequence: inframe deletion.
Genome position (GRCh38, 1-based): chr13:99,985,472-99,985,474, GGC deleted; deleting any 3 consecutive bases within chr13:99,985,461-99,985,474 gives the same sequence; the position shown is the placement nearest the transcript's 3' end. VCF-style (leftmost placement, unchanged base first): chr13-99985460-AGCG-A. GRCh37 (hg19) VCF-style: chr13-100637714-AGCG-A.
Other names: c.1389_1391delGGC (NM_007129.3); short protein forms A470del.
Identifiers: ClinVar variation 2851481 (VCV002851481.6), dbSNP rs762700653, ClinGen allele CA7032983.